The following is an entry in ClinVar:

ClinVar aggregate classification (germline): Benign/Likely benign. Review status: criteria provided, multiple submitters, no conflicts (2 of 4 stars). 2 submissions from 2 submitters: Benign (1); Likely benign (1). Last evaluated 2024-11-07.

Submissions (2):

Blueprint Genetics
Classification: Likely benign. Last evaluated: 2024-11-07. Review status: criteria provided, single submitter. Criteria: ACMG Guidelines, 2015. Collection method: clinical testing. Allele origin: germline.

CeGaT Center for Human Genetics Tuebingen
Classification: Benign. Last evaluated: 2022-07-01. Review status: criteria provided, single submitter. Criteria: CeGaT Center For Human Genetics Tuebingen Variant Classification Criteria Version 2. Collection method: clinical testing. Allele origin: germline. Affected: yes. Observed: 1 variant allele.
Comment: ATXN7: BS1, BS2

NM_001377405.1(ATXN7):c.89AGC[15] (p.Gln39_Pro40insGlnGlnGlnGlnGln)

Genes: ATXN7 (ataxin 7; plus strand), LOC108660406 (ataxin 7 repeat instability region; plus strand), LOC129936979 (ATAC-STARR-seq lymphoblastoid silent region 14501; plus strand). Cytogenetic location: 3p14.1.
Variant type: Microsatellite.
Coding change: c.89AGC[15] on transcript NM_001377405.1 (MANE Select); 15 copies in a row of the 3-base unit AGC starting at c.89; the reference has ten copies in a row; five copies, 15 bases duplicated.
Protein change: p.Gln39_Pro40insGlnGlnGlnGlnGln.
Genome position (GRCh38, 1-based): chr3:63,912,702-63,912,716, AGCAGCAGCAGCAGC duplicated; duplicating any 15 consecutive bases within chr3:63,912,685-63,912,716 gives the same sequence; the position shown is the placement nearest the transcript's 3' end. VCF-style (leftmost placement, unchanged base first): chr3-63912684-G-GGCAGCAGCAGCAGCA. GRCh37 (hg19) VCF-style: chr3-63898360-G-GGCAGCAGCAGCAGCA.
Other names: c.89AGC[15], p.Gln39_Pro40insGlnGlnGlnGlnGln (NM_000333.4, NM_001177387.1, NM_001377406.1).
Identifiers: ClinVar variation 2653939 (VCV002653939.23), dbSNP rs193922929, ClinGen allele CA434138095.
Genomic context (GRCh38, chr3:63,912,684, plus strand): 5'-TCAGGGGGGAGCCGCGCCGCGCGGCGGCGGCGGCGGGCGGAGCAGCGGCCGCGGCCGCCC[G>GGCAGCAGCAGCAGCA]GCAGCAGCAGCAGCAGCAGCAGCAGCAGCAGCCGCCGCCTCCGCAGCCCCAGCGGCAGCA-3'